The following is an entry in ClinVar:

NM_144643.4(SCLT1):c.554A>G (p.Gln185Arg)

Gene: SCLT1 (sodium channel and clathrin linker 1; minus strand). Cytogenetic location: 4q28.2.
Variant type: single nucleotide variant.
Coding change: c.554A>G on transcript NM_144643.4 (MANE Select); coding-DNA position 554, A replaced by G.
Protein change: p.Gln185Arg; replaces glutamine 185 with arginine.
Molecular consequence: missense variant.
Genome position (GRCh38, 1-based): chr4:128,997,935, T>C on the plus strand (A>G on the coding strand, the complement: SCLT1 is on the minus strand). VCF-style: chr4-128997935-T-C. GRCh37 (hg19) VCF-style: chr4-129919090-T-C.
Other names: c.554A>G, p.Gln185Arg (NM_001410807.1); short protein forms Q185R.
Identifiers: ClinVar variation 1974062 (VCV001974062.5), dbSNP rs1743147104, ClinGen allele CA358189719.
Genomic context (GRCh38, chr4:128,997,935, plus strand): 5'-ACTTCCATGTTCTCATTAGTAACATGAAGTTGTTTGGTCAGTTGTTGAAAATCAAATAGC[T>C]GATCCTACAGTGGGAAGGTAAGGGGAGTATATAAATAGCATTTTGTTGTTTATAACCCAT-3'
Protein context (NP_653244.2, residues 175-195): HVFESQKQKD[Gln185Arg]LFDFQQLTKQ

ClinVar aggregate classification (germline): Uncertain significance (1 of 4 stars; one submission).

Allele frequency attached by ClinVar (database versions not stated): gnomAD exomes below 0.00001; gnomAD 0.00001.
gnomAD v4.1: 2 of 1,505,936 alleles (0.00013%); highest among the groups gnomAD compares: Admixed American, 0.0019%; no homozygotes.

Submission:

Labcorp Genetics (formerly Invitae), Labcorp
Classification: Uncertain significance. Last evaluated: 2022-05-19. Review status: criteria provided, single submitter. Criteria: Invitae Variant Classification Sherloc (09022015). Collection method: clinical testing. Allele origin: germline.
Comment: This sequence change replaces glutamine, which is neutral and polar, with arginine, which is basic and polar, at codon 185 of the SCLT1 protein (p.Gln185Arg). This variant is not present in population databases (gnomAD no frequency). This variant has not been reported in the literature in individuals affected with SCLT1-related conditions. Algorithms developed to predict the effect of missense changes on protein structure and function (SIFT, PolyPhen-2, Align-GVGD) all suggest that this variant is likely to be disruptive. In summary, the available evidence is currently insufficient to determine the role of this variant in disease. Therefore, it has been classified as a Variant of Uncertain Significance.